The following is an entry in ClinVar:

NM_001367916.1(MAGT1):c.599G>T (p.Gly200Val)

Gene: MAGT1 (magnesium transporter 1; minus strand). Cytogenetic location: Xq21.1.
Variant type: single nucleotide variant.
Coding change: c.599G>T on transcript NM_001367916.1 (MANE Select); coding-DNA position 599, G replaced by T.
Protein change: p.Gly200Val; replaces glycine 200 with valine.
Molecular consequence: missense variant.
Genome position (GRCh38, 1-based): chrX:77,856,806, C>A on the plus strand (G>T on the coding strand, the complement: MAGT1 is on the minus strand). VCF-style: chrX-77856806-C-A. GRCh37 (hg19) VCF-style: chrX-77112303-C-A.
Other names: c.695G>T, p.Gly232Val (NM_032121.5); short protein forms G200V, G232V.
Identifiers: ClinVar variation 2579636 (VCV002579636.4), dbSNP rs147917952, ClinGen allele CA331578640.

ClinVar aggregate classification (germline): Uncertain significance. Review status: criteria provided, multiple submitters, no conflicts (2 of 4 stars). 3 submissions from 3 submitters: Uncertain significance (3). Last evaluated 2025-12-03.

Conditions:
X-linked immunodeficiency with magnesium defect, Epstein-Barr virus infection and neoplasia. Identifiers: Orphanet 317476, MedGen C3275445, MONDO:0010455, OMIM 300853.
Inborn genetic diseases. Identifiers: MedGen C0950123, MeSH D030342.

Allele frequency attached by ClinVar (database versions not stated): ESP Exome Variant Server 0.00019; gnomAD 0.00002; TOPMed 0.00003.
gnomAD v4.1: 2 of 1,202,665 alleles (0.00017%); highest among the groups gnomAD compares: Non-Finnish European, 0.00022%; no homozygotes.

Submissions (3):

Labcorp Genetics (formerly Invitae), Labcorp
Classification: Uncertain significance for X-linked immunodeficiency with magnesium defect, Epstein-Barr virus infection and neoplasia. Last evaluated: 2025-12-03. Review status: criteria provided, single submitter. Criteria: Invitae Variant Classification Sherloc (09022015). Collection method: clinical testing. Allele origin: germline.
Comment: This sequence change replaces glycine, which is neutral and non-polar, with valine, which is neutral and non-polar, at codon 232 of the MAGT1 protein (p.Gly232Val). This variant is not present in population databases (gnomAD no frequency). This variant has not been reported in the literature in individuals affected with MAGT1-related conditions. ClinVar contains an entry for this variant (Variation ID: 2579636). Invitae Evidence Modeling of protein sequence and biophysical properties (such as structural, functional, and spatial information, amino acid conservation, physicochemical variation, residue mobility, and thermodynamic stability) indicates that this missense variant is not expected to disrupt MAGT1 protein function with a negative predictive value of 80%. In summary, the available evidence is currently insufficient to determine the role of this variant in disease. Therefore, it has been classified as a Variant of Uncertain Significance.

Ambry Genetics
Classification: Uncertain significance for Inborn genetic diseases. Last evaluated: 2023-12-20. Review status: criteria provided, single submitter. Criteria: Ambry Variant Classification Scheme 2023. Collection method: clinical testing. Allele origin: germline.

GeneDx
Classification: Uncertain significance. Last evaluated: 2023-09-05. Review status: criteria provided, single submitter. Criteria: GeneDx Variant Classification Process June 2021. Collection method: clinical testing. Allele origin: germline. Affected: yes.
Comment: In silico analysis supports that this missense variant has a deleterious effect on protein structure/function; Has not been previously published as pathogenic or benign to our knowledge